The following is an entry in ClinVar:

ClinVar aggregate classification (germline): Uncertain significance. Review status: criteria provided, multiple submitters, no conflicts (2 of 4 stars). 2 submissions from 2 submitters: Uncertain significance (2). Last evaluated 2025-03-25.

Conditions:
Isovaleryl-CoA dehydrogenase deficiency (IVA). Also called: ISOVALERIC ACID CoA DEHYDROGENASE DEFICIENCY; Isovaleric acidemia; IVD DEFICIENCY; Classic Isovaleric Acidemia. Identifiers: Orphanet 33, MedGen C0268575, MONDO:0009475, OMIM 243500.

gnomAD v4.1: 5 of 1,614,234 alleles (0.00031%); highest among the groups gnomAD compares: Non-Finnish European, 0.00042%; no homozygotes.

Submissions (2):

Labcorp Genetics (formerly Invitae), Labcorp
Classification: Uncertain significance for Isovaleryl-CoA dehydrogenase deficiency. Last evaluated: 2025-03-25. Review status: criteria provided, single submitter. Criteria: Invitae Variant Classification Sherloc (09022015). Collection method: clinical testing. Allele origin: germline.
Comment: This sequence change replaces glutamine, which is neutral and polar, with arginine, which is basic and polar, at codon 148 of the IVD protein (p.Gln148Arg). This variant is present in population databases (rs747528884, gnomAD 0.003%). This missense change has been observed in individuals with isovaleric acidemia (PMID: 33496032; internal data). ClinVar contains an entry for this variant (Variation ID: 3375258). An algorithm developed to predict the effect of missense changes on protein structure and function (PolyPhen-2) suggests that this variant is likely to be tolerated. In summary, the available evidence is currently insufficient to determine the role of this variant in disease. Therefore, it has been classified as a Variant of Uncertain Significance.

Women's Health and Genetics/Laboratory Corporation of America, LabCorp
Classification: Uncertain significance. Last evaluated: 2024-09-24. Review status: criteria provided, single submitter. Criteria: LabCorp Variant Classification Summary - May 2015. Collection method: clinical testing. Allele origin: germline.
Comment: Variant summary: IVD c.434A>G (p.Gln145Arg) results in a conservative amino acid change in the encoded protein sequence. Four of five in-silico tools predict a damaging effect of the variant on protein function. The variant allele was found at a frequency of 4e-06 in 251396 control chromosomes. The available data on variant occurrences in the general population are insufficient to allow any conclusion about variant significance. c.434A>G has been reported in the literature in at least an individual affected with classic isovaleryl-CoA dehydrogenase deficiency (example: Mutze_2021). These data do not allow any conclusion about variant significance. To our knowledge, no experimental evidence demonstrating an impact on protein function has been reported. The following publication have been ascertained in the context of this evaluation (PMID: 33496032). No submitters have cited clinical-significance assessments for this variant to ClinVar. Based on the evidence outlined above, the variant was classified as uncertain significance.

Literature cited by the submitters: PubMed 33496032 (cited by Labcorp Genetics (formerly Invitae), Labcorp and Women's Health and Genetics/Laboratory Corporation of America, LabCorp).

NM_002225.5(IVD):c.434A>G (p.Gln145Arg)

Gene: IVD (isovaleryl-CoA dehydrogenase; plus strand). Cytogenetic location: 15q15.1.
Variant type: single nucleotide variant.
Coding change: c.434A>G on transcript NM_002225.5 (MANE Select); coding-DNA position 434, A replaced by G.
Protein change: p.Gln145Arg; replaces glutamine 145 with arginine.
Molecular consequence: missense variant. On other transcripts: non-coding transcript variant (1).
Genome position (GRCh38, 1-based): chr15:40,410,775, A>G. VCF-style: chr15-40410775-A-G. GRCh37 (hg19) VCF-style: chr15-40702974-A-G.
Other names: c.344A>G, p.Gln115Arg (NM_001159508.3); c.386A>G, p.Gln129Arg (NM_001354597.3); c.434A>G, p.Gln145Arg (NM_001354598.3, NM_001354601.3); c.521A>G, p.Gln174Arg (NM_001354599.3, NM_001354600.3); short protein forms Q115R, Q129R, Q145R, Q174R.
Identifiers: ClinVar variation 3375258 (VCV003375258.2).
Genomic context (GRCh38, chr15:40,410,775, plus strand): 5'-GTTACGGTGCCCACTCCAACCTCTGCATCAACCAGCTTGTACGCAATGGGAATGAGGCCC[A>G]GAAAGAGAAGTATCTCCCGAAGGTGAGGAAATGGAAATGTAATACACGCTAATCTCACAG-3'
Protein context (NP_002216.3, residues 135-155): NQLVRNGNEA[Gln145Arg]KEKYLPKLIS